The following is an entry in ClinVar:

NM_003200.5(TCF3):c.1318G>A (p.Ala440Thr)

Gene: TCF3 (transcription factor 3; minus strand). Cytogenetic location: 19p13.3.
Variant type: single nucleotide variant.
Coding change: c.1318G>A on transcript NM_003200.5 (MANE Select); coding-DNA position 1318, G replaced by A.
Protein change: p.Ala440Thr; replaces alanine 440 with threonine.
Molecular consequence: missense variant.
Genome position (GRCh38, 1-based): chr19:1,619,324, C>T on the plus strand (G>A on the coding strand, the complement: TCF3 is on the minus strand). VCF-style: chr19-1619324-C-T. GRCh37 (hg19) VCF-style: chr19-1619323-C-T.
Other names: c.1318G>A, p.Ala440Thr (NM_001136139.4, NM_001351779.2); c.1315G>A, p.Ala439Thr (NM_001351778.2); c.1318G>A (NM_003200.3); short protein forms A440T, A439T.
Identifiers: ClinVar variation 1479296 (VCV001479296.9), dbSNP rs761667569, ClinGen allele CA9049930.

ClinVar aggregate classification (germline): Uncertain significance. Review status: criteria provided, multiple submitters, no conflicts (2 of 4 stars). 2 submissions from 2 submitters: Uncertain significance (2). Last evaluated 2025-11-24.

Conditions:
TCF3-related disorder. Also called: TCF3-related condition.

Allele frequency attached by ClinVar (database versions not stated): gnomAD 0.00005 and 0.00006; gnomAD exomes 0.00005 and 0.00006; TOPMed 0.00008.
gnomAD v4.1: 95 of 1,572,794 alleles (0.006%); highest among the groups gnomAD compares: Middle Eastern, 0.04%; no homozygotes.

Submissions (2):

Labcorp Genetics (formerly Invitae), Labcorp
Classification: Uncertain significance. Last evaluated: 2025-11-24. Review status: criteria provided, single submitter. Criteria: Invitae Variant Classification Sherloc (09022015). Collection method: clinical testing. Allele origin: germline.
Comment: This sequence change replaces alanine, which is neutral and non-polar, with threonine, which is neutral and polar, at codon 440 of the TCF3 protein (p.Ala440Thr). The frequency data for this variant in the population databases is considered unreliable, as metrics indicate poor data quality at this position in the gnomAD database. This variant has not been reported in the literature in individuals affected with TCF3-related conditions. ClinVar contains an entry for this variant (Variation ID: 1479296). Invitae Evidence Modeling of protein sequence and biophysical properties (such as structural, functional, and spatial information, amino acid conservation, physicochemical variation, residue mobility, and thermodynamic stability) indicates that this missense variant is not expected to disrupt TCF3 protein function with a negative predictive value of 80%. In summary, the available evidence is currently insufficient to determine the role of this variant in disease. Therefore, it has been classified as a Variant of Uncertain Significance.

PreventionGenetics, part of Exact Sciences
Classification: Uncertain significance for TCF3-related condition. Last evaluated: 2025-02-28. Review status: criteria provided, single submitter. Criteria: ACMG Guidelines, 2015. Collection method: clinical testing. Allele origin: germline.
Comment: The TCF3 c.1318G>A variant is predicted to result in the amino acid substitution p.Ala440Thr. To our knowledge, this variant has not been reported in the literature. This variant is reported in 0.0072% of alleles in individuals of South Asian descent in gnomAD. At this time, the clinical significance of this variant is uncertain due to the absence of conclusive functional and genetic evidence.